The following is an entry in ClinVar:

ClinVar aggregate classification (germline): Pathogenic. Review status: criteria provided, multiple submitters, no conflicts (2 of 4 stars). 2 submissions from 2 submitters: Pathogenic (2). Last evaluated 2025-07-08.

Conditions:
Generalized epilepsy with febrile seizures plus, type 9 (GEFSP9). Also called: GEFS+, TYPE 9. Identifiers: Orphanet 36387, MedGen C4015395, MONDO:0014517, OMIM 616172.

Submissions (2):

Variantyx, Inc.
Classification: Pathogenic for Generalized epilepsy with febrile seizures plus, type 9. Last evaluated: 2025-07-08. Review status: criteria provided, single submitter. Criteria: Variantyx Assertion Criteria 2022. Collection method: clinical testing. Allele origin: de novo. Inheritance: Autosomal dominant inheritance. Affected: yes.
Comment: This is a frameshift variant in the STX1B gene (OMIM: 601485). Pathogenic variants in this gene have been associated with autosomal dominant generalized epilepsy with febrile seizures plus, type 9. The a;lteration likely causes loss of function, which is a known disease mechanism for STX1B in this disorder (PMID: 31440721, 25362483) (PVS1). This variant is absent from control populations (PM2). and it has been reported in the heterozygous state in at least one affected individual (PMID: 31440721). Based on the current evidence, this variant is classified as pathogenic for autosomal dominant generalized epilepsy with febrile seizures plus, type 9.

Labcorp Genetics (formerly Invitae), Labcorp
Classification: Pathogenic for Generalized epilepsy with febrile seizures plus, type 9. Last evaluated: 2022-07-05. Review status: criteria provided, single submitter. Criteria: Invitae Variant Classification Sherloc (09022015). Collection method: clinical testing. Allele origin: germline.
Comment: This sequence change creates a premature translational stop signal (p.Asp13Lysfs*42) in the STX1B gene. It is expected to result in an absent or disrupted protein product. Loss-of-function variants in STX1B are known to be pathogenic (PMID: 25362483). This variant is not present in population databases (gnomAD no frequency). This variant has not been reported in the literature in individuals affected with STX1B-related conditions. ClinVar contains an entry for this variant (Variation ID: 567167). For these reasons, this variant has been classified as Pathogenic.

Literature cited by the submitters: PubMed 31440721 (cited by Variantyx, Inc.); PubMed 25362483 (cited by Variantyx, Inc. and Labcorp Genetics (formerly Invitae), Labcorp).

NM_052874.5(STX1B):c.35_36dup (p.Asp13fs)

Gene: STX1B (syntaxin 1B; minus strand). Cytogenetic location: 16p11.2.
Variant type: Duplication.
Coding change: c.35_36dup on transcript NM_052874.5 (MANE Select); coding-DNA positions 35 to 36, 2 bases duplicated (AA; older notation c.35_36dupAA).
Protein change: p.Asp13fs; shifts the reading frame from aspartic acid 13.
Molecular consequence: frameshift variant.
Genome position (GRCh38, 1-based): chr16:31,001,598-31,001,599, TT duplicated on the plus strand (AA on the coding strand, the reverse complement: STX1B is on the minus strand); duplicating any 2 consecutive bases within chr16:31,001,598-31,001,600 gives the same sequence; the c. name uses the placement nearest the transcript's 3' end. VCF-style (leftmost placement, unchanged base first): chr16-31001597-C-CTT. GRCh37 (hg19) VCF-style: chr16-31012918-C-CTT.
Other names: c.35_36dupAA (NM_052874.4); short protein forms D13fs.
Identifiers: ClinVar variation 567167 (VCV000567167.7), dbSNP rs1567379671, ClinGen allele CA891844014.